The following is an entry in ClinVar:

NM_005529.7(HSPG2):c.1504C>T (p.Arg502Ter)

Gene: HSPG2 (heparan sulfate proteoglycan 2; minus strand). Cytogenetic location: 1p36.12.
Variant type: single nucleotide variant.
Coding change: c.1504C>T on transcript NM_005529.7 (MANE Select); coding-DNA position 1504, C replaced by T.
Protein change: p.Arg502Ter; replaces arginine 502 with a stop codon.
Molecular consequence: nonsense.
Genome position (GRCh38, 1-based): chr1:21,884,770, G>A on the plus strand (C>T on the coding strand, the complement: HSPG2 is on the minus strand). VCF-style: chr1-21884770-G-A. GRCh37 (hg19) VCF-style: chr1-22211263-G-A.
Other names: c.1504C>T, p.Arg502Ter (NM_001291860.2); short protein forms R502*.
Identifiers: ClinVar variation 3571860 (VCV003571860.1).
Genomic context (GRCh38, chr1:21,884,770, plus strand): 5'-GTGGTGGGCAGCCCGGCTCTGCCCCCACACCCGGTGACACCTGCCCTCCGGCAGTACCTC[G>A]TTGTGGGACGAGCTCAAGGACACCGTCAGGAATGCCAAACACCATGCCCCGGGCGTTCAT-3'

ClinVar aggregate classification (germline): Likely pathogenic (1 of 4 stars; one submission).

gnomAD v4.1: 4 of 1,613,332 alleles (0.00025%); highest among the groups gnomAD compares: East Asian, 0.0022%; no homozygotes.

Submission:

Athena Diagnostics
Classification: Likely pathogenic. Last evaluated: 2023-11-08. Review status: criteria provided, single submitter. Criteria: Athena Diagnostics Criteria. Collection method: clinical testing. Allele origin: unknown.
Comment: This variant is expected to result in the loss of a functional protein. The frequency of this variant in the general population is consistent with pathogenicity.